The following is an entry in ClinVar:

NM_005359.6(SMAD4):c.1140-3A>C

Gene: SMAD4 (SMAD family member 4; plus strand). Cytogenetic location: 18q21.2.
Variant type: single nucleotide variant.
Coding change: c.1140-3A>C on transcript NM_005359.6 (MANE Select); 3 bases into the intron before coding-DNA position 1140, A replaced by C.
Molecular consequence: intron variant.
Genome position (GRCh38, 1-based): chr18:51,067,016, A>C. VCF-style: chr18-51067016-A-C. GRCh37 (hg19) VCF-style: chr18-48593386-A-C.
Identifiers: ClinVar variation 492462 (VCV000492462.22), dbSNP rs956212866, ClinGen allele CA300091887.

ClinVar aggregate classification (germline): Conflicting classifications of pathogenicity. Review status: criteria provided, conflicting classifications (1 of 4 stars). 5 submissions from 5 submitters: Uncertain significance (1); Likely benign (4). Last evaluated 2026-01-21.

Conditions:
Hereditary cancer-predisposing syndrome. Also called: Hereditary neoplastic syndrome; Tumor predisposition; Neoplastic Syndromes, Hereditary; Hereditary Cancer Syndrome. Identifiers: Orphanet 140162, MedGen C0027672, MeSH D009386, MONDO:0015356.
Juvenile polyposis syndrome (JPS). Identifiers: Orphanet 2929, MedGen C0345893, MONDO:0017380, OMIM 174900.
Familial thoracic aortic aneurysm and aortic dissection (TAAD). Also called: Thoracic aortic aneurysms and dissections. Identifiers: Orphanet 91387, MedGen C4707243, MONDO:0019625.
Juvenile polyposis/hereditary hemorrhagic telangiectasia syndrome (JPHT). Also called: Juvenile Polyposis Syndrome / Hereditary Hemorrhagic Telangiectasia (JPS/HHT); JP/HHT SYNDROME; JUVENILE POLYPOSIS WITH HEREDITARY HEMORRHAGIC TELANGIECTASIA; POLYPOSIS, GENERALIZED JUVENILE, WITH PULMONARY ARTERIOVENOUS MALFORMATION; TELANGIECTASIA, HEREDITARY HEMORRHAGIC, WITH JUVENILE POLYPOSIS COLI. Identifiers: Orphanet 2929, MedGen C1832942, MONDO:0008278, OMIM 175050.

Allele frequency attached by ClinVar (database versions not stated): gnomAD exomes below 0.00001.
gnomAD v4.1: 4 of 1,610,158 alleles (0.00025%); highest among the groups gnomAD compares: Non-Finnish European, 0.00034%; no homozygotes.

Submissions (5):

Labcorp Genetics (formerly Invitae), Labcorp
Classification: Likely benign for Juvenile polyposis syndrome. Last evaluated: 2026-01-21. Review status: criteria provided, single submitter. Criteria: Invitae Variant Classification Sherloc (09022015). Collection method: clinical testing. Allele origin: germline.

Women's Health and Genetics/Laboratory Corporation of America, LabCorp
Classification: Uncertain significance. Last evaluated: 2025-09-29. Review status: criteria provided, single submitter. Criteria: LabCorp Variant Classification Summary - May 2015. Collection method: clinical testing. Allele origin: germline.
Comment: Variant summary: SMAD4 c.1140-3A>C alters a conserved nucleotide located close to a canonical splice site and therefore could affect mRNA splicing, leading to a significantly altered protein sequence. Consensus agreement among computation tools predict no significant impact on normal splicing. However, these predictions have yet to be confirmed by functional studies. The variant allele was found at a frequency of 4e-06 in 251400 control chromosomes. The available data on variant occurrences in the general population are insufficient to allow any conclusion about variant significance. To our knowledge, no occurrence of c.1140-3A>C in individuals affected with SMAD4-related conditions and no experimental evidence demonstrating its impact on protein function have been reported. ClinVar contains an entry for this variant (Variation ID: 492462). Based on the evidence outlined above, the variant was classified as uncertain significance.

Myriad Genetics, Inc.
Classification: Likely benign for Juvenile polyposis/hereditary hemorrhagic telangiectasia syndrome. Last evaluated: 2025-03-21. Review status: criteria provided, single submitter. Criteria: Myriad Autosomal Dominant, Autosomal Recessive and X-Linked Classification Criteria (2023). Collection method: clinical testing. Allele origin: unknown.
Comment: This variant is considered likely benign. This variant is intronic and is not expected to impact mRNA splicing.

Ambry Genetics
Classification: Likely benign for Hereditary cancer-predisposing syndrome; Familial thoracic aortic aneurysm and aortic dissection. Last evaluated: 2022-10-28. Review status: criteria provided, single submitter. Criteria: Ambry Variant Classification Scheme 2023. Collection method: clinical testing. Allele origin: germline.

Color Diagnostics, LLC DBA Color Health
Classification: Likely benign for Hereditary cancer-predisposing syndrome. Last evaluated: 2017-05-19. Review status: criteria provided, single submitter. Criteria: ACMG Guidelines, 2015. Collection method: clinical testing. Allele origin: germline.